The following is an entry in ClinVar:

NM_007194.4(CHEK2):c.1103A>G (p.Asp368Gly)

Gene: CHEK2 (checkpoint kinase 2; minus strand). Cytogenetic location: 22q12.1.
Variant type: single nucleotide variant.
Coding change: c.1103A>G on transcript NM_007194.4 (MANE Select); coding-DNA position 1103, A replaced by G.
Protein change: p.Asp368Gly; replaces aspartic acid 368 with glycine.
Molecular consequence: missense variant.
Genome position (GRCh38, 1-based): chr22:28,695,866, T>C on the plus strand (A>G on the coding strand, the complement: CHEK2 is on the minus strand). VCF-style: chr22-28695866-T-C. GRCh37 (hg19) VCF-style: chr22-29091854-T-C.
Other names: c.1232A>G, p.Asp411Gly (NM_001005735.3); c.440A>G, p.Asp147Gly (NM_001257387.3); c.902A>G, p.Asp301Gly (NM_001349956.3); c.1016A>G, p.Asp339Gly (NM_145862.3); short protein forms D368G, D411G, D301G, D339G, D147G.
Identifiers: ClinVar variation 483379 (VCV000483379.11), dbSNP rs1555913929, ClinGen allele CA411097174.

ClinVar aggregate classification (germline): Uncertain significance. Review status: criteria provided, multiple submitters, no conflicts (2 of 4 stars). 3 submissions from 3 submitters: Uncertain significance (3). Last evaluated 2025-06-18.

Conditions:
Hereditary cancer-predisposing syndrome. Also called: Neoplastic Syndromes, Hereditary; Tumor predisposition; Hereditary Cancer Syndrome; Hereditary neoplastic syndrome. Identifiers: Orphanet 140162, MedGen C0027672, MeSH D009386, MONDO:0015356.
Familial cancer of breast. Also called: BREAST CANCER, FAMILIAL; Hereditary breast cancer; hereditary breast carcinoma. Identifiers: Orphanet 227535, MedGen C0346153, MONDO:0016419, OMIM 114480. Disease mechanism: loss of function.

Submissions (3):

Labcorp Genetics (formerly Invitae), Labcorp
Classification: Uncertain significance for Familial cancer of breast. Last evaluated: 2025-06-18. Review status: criteria provided, single submitter. Criteria: Invitae Variant Classification Sherloc (09022015). Collection method: clinical testing. Allele origin: germline.
Comment: This sequence change replaces aspartic acid, which is acidic and polar, with glycine, which is neutral and non-polar, at codon 368 of the CHEK2 protein (p.Asp368Gly). This variant is not present in population databases (gnomAD no frequency). This missense change has been observed in individual(s) with breast and/or ovarian cancer (PMID: 34991090). ClinVar contains an entry for this variant (Variation ID: 483379). An algorithm developed to predict the effect of missense changes on protein structure and function (PolyPhen-2) suggests that this variant is likely to be disruptive. In summary, the available evidence is currently insufficient to determine the role of this variant in disease. Therefore, it has been classified as a Variant of Uncertain Significance.

Center for Genomic Medicine, Rigshospitalet, Copenhagen University Hospital
Classification: Uncertain significance. Last evaluated: 2025-03-04. Review status: criteria provided, single submitter. Criteria: ACMG Guidelines, 2015. Collection method: clinical testing. Allele origin: germline.

Ambry Genetics
Classification: Uncertain significance for Hereditary cancer-predisposing syndrome. Last evaluated: 2023-12-22. Review status: criteria provided, single submitter. Criteria: Ambry Variant Classification Scheme 2023. Collection method: clinical testing. Allele origin: germline.
Comment: The p.D368G variant (also known as c.1103A>G), located in coding exon 10 of the CHEK2 gene, results from an A to G substitution at nucleotide position 1103. The aspartic acid at codon 368 is replaced by glycine, an amino acid with similar properties. This alteration has been reported, in conjunction with CHEK2 c.1169A>G, in an individual with early-onset ovarian cancer and a family history of breast and lung cancers (Aksoy F et al. Hum Hered, 2022 Jan;:). This amino acid position is highly conserved in available vertebrate species. In addition, this alteration is predicted to be deleterious by in silico analysis. Since supporting evidence is limited at this time, the clinical significance of this alteration remains unclear.

Literature cited by the submitters: PubMed 34991090 (cited by 3 submitters).